The following is an entry in ClinVar:

ClinVar aggregate classification (germline): Likely benign (0 of 4 stars; one submission).

Conditions:
ELMOD2-related disorder. Also called: ELMOD2-related condition.

Allele frequency attached by ClinVar (database versions not stated): ExAC 0.00001.
gnomAD v4.1: 3 of 1,598,100 alleles (0.00019%); highest among the groups gnomAD compares: Admixed American, 0.0035%; no homozygotes.

Submission:

PreventionGenetics, part of Exact Sciences
Classification: Likely benign for ELMOD2-related condition. Last evaluated: 2019-06-14. Review status: no assertion criteria provided. Collection method: clinical testing. Allele origin: germline.
Comment: This variant is classified as likely benign based on ACMG/AMP sequence variant interpretation guidelines (Richards et al. 2015 PMID: 25741868, with internal and published modifications).

NM_153702.4(ELMOD2):c.378G>A (p.Gln126=)

Gene: ELMOD2 (ELMO domain containing 2; plus strand). Cytogenetic location: 4q31.1.
Variant type: single nucleotide variant.
Coding change: c.378G>A on transcript NM_153702.4 (MANE Select); coding-DNA position 378, G replaced by A.
Protein change: p.Gln126=; no amino-acid change (glutamine 126 retained).
Molecular consequence: synonymous variant.
Genome position (GRCh38, 1-based): chr4:140,537,520, G>A. VCF-style: chr4-140537520-G-A. GRCh37 (hg19) VCF-style: chr4-141458674-G-A.
Identifiers: ClinVar variation 3033975 (VCV003033975.2), dbSNP rs764726417, ClinGen allele CA3086431.